The following is an entry in ClinVar:

ClinVar aggregate classification (germline): Benign. Review status: criteria provided, multiple submitters, no conflicts (2 of 4 stars). 8 submissions from 7 submitters: Benign (7). 1 of the submissions does not count toward it. Last evaluated 2026-02-04.

Conditions:
Corneal dystrophy. Identifiers: Orphanet 34533, MedGen C0010036, MONDO:0018102, HP:0001131.
Corneal dystrophy-perceptive deafness syndrome (CDPD). Also called: CORNEAL DYSTROPHY AND SENSORINEURAL DEAFNESS; HARBOYAN SYNDROME. Identifiers: Orphanet 1490, MedGen C1857572, MONDO:0009015, OMIM 217400.
Congenital hereditary endothelial dystrophy of cornea. Also called: Corneal endothelial dystrophy, autosomal recessive; Congenital hereditary endothelial dystrophy of the cornea; Maumenee corneal dystrophy; CORNEAL DYSTROPHY, CONGENITAL HEREDITARY ENDOTHELIAL; Congenital hereditary endothelial dystrophy type II. Identifiers: Orphanet 293603, MedGen C1857569, MONDO:0009019, OMIM 217700.

Allele frequency attached by ClinVar (database versions not stated): gnomAD exomes 0.15259 and 0.17656; ExAC 0.15740; 1000 Genomes Project 30x 0.17036; 1000 Genomes Project 0.16633; TOPMed 0.17668; ESP Exome Variant Server 0.18622; gnomAD 0.17372 and 0.17522.

Submissions (8):

Labcorp Genetics (formerly Invitae), Labcorp
Classification: Benign. Last evaluated: 2026-02-04. Review status: criteria provided, single submitter. Criteria: Invitae Variant Classification Sherloc (09022015). Collection method: clinical testing. Allele origin: germline.

Mayo Clinic Laboratories, Mayo Clinic
Classification: Benign. Last evaluated: 2022-11-10. Review status: criteria provided, single submitter. Criteria: ACMG Guidelines, 2015. Collection method: clinical testing. Allele origin: germline. Observed: 14 variant alleles.

Genome-Nilou Lab
Classification: Benign for Corneal dystrophy-perceptive deafness syndrome. Last evaluated: 2021-07-10. Review status: criteria provided, single submitter. Criteria: ACMG Guidelines, 2015. Collection method: clinical testing. Allele origin: germline. Affected: no.

Genome-Nilou Lab
Classification: Benign for Congenital hereditary endothelial dystrophy of cornea. Last evaluated: 2021-07-10. Review status: criteria provided, single submitter. Criteria: ACMG Guidelines, 2015. Collection method: clinical testing. Allele origin: germline. Affected: no.

Illumina Laboratory Services, Illumina
Classification: Benign for Corneal dystrophy. Last evaluated: 2018-01-13. Review status: criteria provided, single submitter. Criteria: ICSL Variant Classification Criteria 13 December 2019. Collection method: clinical testing. Allele origin: germline.
Comment: This variant was observed in the ICSL laboratory as part of a predisposition screen in an ostensibly healthy population. It had not been previously curated by ICSL or reported in the Human Gene Mutation Database (HGMD: prior to June 1st, 2018), and was therefore a candidate for classification through an automated scoring system. Utilizing variant allele frequency, disease prevalence and penetrance estimates, and inheritance mode, an automated score was calculated to assess if this variant is too frequent to cause the disease. Based on the score and internal cut-off values, a variant classified as benign is not then subjected to further curation. The score for this variant resulted in a classification of benign for this disease.

Breakthrough Genomics
Classification: Benign. Review status: criteria provided, single submitter. Criteria: ACMG Guidelines, 2015. Collection method: not provided. Allele origin: germline. Inheritance: Autosomal recessive inheritance. Affected: yes.

PreventionGenetics, part of Exact Sciences
Classification: Benign. Review status: criteria provided, single submitter. Criteria: ACMG Guidelines, 2015. Collection method: clinical testing. Allele origin: germline.

Natera, Inc.
Classification: Benign for Corneal dystrophy-perceptive deafness syndrome. Last evaluated: 2019-11-20. Review status: no assertion criteria provided. Collection method: clinical testing. Allele origin: germline. Not counted in ClinVar's aggregate classification.

NM_001174089.2(SLC4A11):c.591G>A (p.Ser197=)

Gene: SLC4A11 (solute carrier family 4 member 11; minus strand). Cytogenetic location: 20p13.
Variant type: single nucleotide variant.
Coding change: c.591G>A on transcript NM_001174089.2 (MANE Select); coding-DNA position 591, G replaced by A.
Protein change: p.Ser197=; no amino-acid change (serine 197 retained).
Molecular consequence: synonymous variant. On other transcripts: non-coding transcript variant (1).
Genome position (GRCh38, 1-based): chr20:3,233,935, C>T on the plus strand (G>A on the coding strand, the complement: SLC4A11 is on the minus strand). VCF-style: chr20-3233935-C-T. GRCh37 (hg19) VCF-style: chr20-3214581-C-T.
Other names: p.Ser213=; c.720G>A, p.Ser240= (NM_001174090.2); c.591G>A, p.Ser197= (NM_001363745.2); c.639G>A, p.Ser213= (NM_032034.4).
Identifiers: ClinVar variation 262002 (VCV000262002.23), dbSNP rs3803956, ClinGen allele CA9742223.